The following is an entry in ClinVar:

ClinVar aggregate classification (germline): Uncertain significance (1 of 4 stars; one submission).

gnomAD v4.1: 2 of 1,613,572 alleles (0.00012%); highest among the groups gnomAD compares: Non-Finnish European, 0.00017%; no homozygotes.

Submission:

Mayo Clinic Laboratories, Mayo Clinic
Classification: Uncertain significance. Last evaluated: 2025-03-20. Review status: criteria provided, single submitter. Criteria: ACMG Guidelines, 2015. Collection method: clinical testing. Allele origin: germline. Observed: 1 variant allele.
Comment: BP4, PM2_supporting

NM_000081.4(LYST):c.7688C>A (p.Thr2563Asn)

Gene: LYST (lysosomal trafficking regulator; minus strand). Cytogenetic location: 1q42.3.
Variant type: single nucleotide variant.
Coding change: c.7688C>A on transcript NM_000081.4 (MANE Select); coding-DNA position 7688, C replaced by A.
Protein change: p.Thr2563Asn; replaces threonine 2563 with asparagine.
Molecular consequence: missense variant.
Genome position (GRCh38, 1-based): chr1:235,751,302, G>T on the plus strand (C>A on the coding strand, the complement: LYST is on the minus strand). VCF-style: chr1-235751302-G-T. GRCh37 (hg19) VCF-style: chr1-235914602-G-T.
Other names: p.Thr2563Asn; c.7688C>A, p.Thr2563Asn (NM_001301365.1); short protein forms T2563N.
Identifiers: ClinVar variation 4542382 (VCV004542382.1).